The following is an entry in ClinVar:

NM_033380.3(COL4A5):c.2434C>T (p.Pro812Ser)

Gene: COL4A5 (collagen type IV alpha 5 chain; plus strand). Cytogenetic location: Xq22.3.
Variant type: single nucleotide variant.
Coding change: c.2434C>T on transcript NM_033380.3 (MANE Select); coding-DNA position 2434, C replaced by T.
Protein change: p.Pro812Ser; replaces proline 812 with serine.
Molecular consequence: missense variant.
Genome position (GRCh38, 1-based): chrX:108,614,949, C>T. VCF-style: chrX-108614949-C-T. GRCh37 (hg19) VCF-style: chrX-107858179-C-T.
Other names: c.2434C>T (NM_000495.3, NM_000495.4); c.2434C>T, p.Pro812Ser (NM_000495.5); short protein forms P812S.
Identifiers: ClinVar variation 2166652 (VCV002166652.3), dbSNP rs763491586, ClinGen allele CA334046369.

ClinVar aggregate classification (germline): Uncertain significance. Review status: criteria provided, multiple submitters, no conflicts (2 of 4 stars). 3 submissions from 3 submitters: Uncertain significance (3). Last evaluated 2026-03-28.

Conditions:
Inborn genetic diseases. Identifiers: MedGen C0950123, MeSH D030342.
COL4A5-related disorder. Also called: COL4A5-related condition.

Allele frequency attached by ClinVar (database versions not stated): TOPMed 0.00001.

Submissions (3):

PreventionGenetics, part of Exact Sciences
Classification: Uncertain significance for COL4A5-related condition. Last evaluated: 2026-03-28. Review status: criteria provided, single submitter. Criteria: ACMG Guidelines, 2015. Collection method: clinical testing. Allele origin: germline.
Comment: The COL4A5 c.2434C>T variant is predicted to result in the amino acid substitution p.Pro812Ser. To our knowledge, this variant has not been reported in the literature. This variant is reported in 0.0012% of alleles in individuals of European (Non-Finnish) descent in gnomAD. At this time, the clinical significance of this variant is uncertain due to the absence of conclusive functional and genetic evidence.

Ambry Genetics
Classification: Uncertain significance for Inborn genetic diseases. Last evaluated: 2024-07-05. Review status: criteria provided, single submitter. Criteria: Ambry Variant Classification Scheme 2023. Collection method: clinical testing. Allele origin: germline.

Labcorp Genetics (formerly Invitae), Labcorp
Classification: Uncertain significance. Last evaluated: 2022-06-26. Review status: criteria provided, single submitter. Criteria: Invitae Variant Classification Sherloc (09022015). Collection method: clinical testing. Allele origin: germline.
Comment: This sequence change replaces proline, which is neutral and non-polar, with serine, which is neutral and polar, at codon 812 of the COL4A5 protein (p.Pro812Ser). This variant is present in population databases (rs763491586, gnomAD 0.001%). This variant has not been reported in the literature in individuals affected with COL4A5-related conditions. Advanced modeling of protein sequence and biophysical properties (such as structural, functional, and spatial information, amino acid conservation, physicochemical variation, residue mobility, and thermodynamic stability) performed at Invitae indicates that this missense variant is not expected to disrupt COL4A5 protein function. In summary, the available evidence is currently insufficient to determine the role of this variant in disease. Therefore, it has been classified as a Variant of Uncertain Significance.